The following is an entry in ClinVar:

NM_000307.5(POU3F4):c.18G>A (p.Ser6=)

Gene: POU3F4 (POU class 3 homeobox 4; plus strand). Cytogenetic location: Xq21.1.
Variant type: single nucleotide variant.
Coding change: c.18G>A on transcript NM_000307.5 (MANE Select); coding-DNA position 18, G replaced by A.
Protein change: p.Ser6=; no amino-acid change (serine 6 retained).
Molecular consequence: synonymous variant.
Genome position (GRCh38, 1-based): chrX:83,508,342, G>A. VCF-style: chrX-83508342-G-A. GRCh37 (hg19) VCF-style: chrX-82763350-G-A.
Identifiers: ClinVar variation 3657892 (VCV003657892.2).

ClinVar aggregate classification (germline): Uncertain significance (1 of 4 stars; one submission).

Submission:

Labcorp Genetics (formerly Invitae), Labcorp
Classification: Uncertain significance. Last evaluated: 2024-07-02. Review status: criteria provided, single submitter. Criteria: Invitae Variant Classification Sherloc (09022015). Collection method: clinical testing. Allele origin: germline.
Comment: This sequence change affects codon 6 of the POU3F4 mRNA. It is a 'silent' change, meaning that it does not change the encoded amino acid sequence of the POU3F4 protein. This variant is not present in population databases (gnomAD no frequency). This variant has not been reported in the literature in individuals affected with POU3F4-related conditions. In summary, the available evidence is currently insufficient to determine the role of this variant in disease. Therefore, it has been classified as a Variant of Uncertain Significance.